The following is an entry in ClinVar:

ClinVar aggregate classification (germline): Uncertain significance. Review status: criteria provided, multiple submitters, no conflicts (2 of 4 stars). 2 submissions from 2 submitters: Uncertain significance (2). Last evaluated 2024-10-06.

Conditions:
Inborn genetic diseases. Identifiers: MedGen C0950123, MeSH D030342.
Glycogen storage disease, type IV (GSD4). Also called: GBE1 DEFICIENCY; GLYCOGEN BRANCHING ENZYME DEFICIENCY; GLYCOGENOSIS IV; GSD IV; Glycogen storage disease due to glycogen branching enzyme deficiency; AMYLOPECTINOSIS. Identifiers: MedGen C0017923, MONDO:0009292, OMIM 232500, Orphanet 367.
Glycogen storage disease IV, classic hepatic. Also called: GSD IV, CLASSIC HEPATIC. Identifiers: MedGen C1856301.

gnomAD v4.1: 1 of 1,603,996 alleles (0.000062%); highest among the groups gnomAD compares: Non-Finnish European, 0.000085%; no homozygotes.

Submissions (2):

Ambry Genetics
Classification: Uncertain significance for Inborn genetic diseases. Last evaluated: 2024-10-06. Review status: criteria provided, single submitter. Criteria: Ambry Variant Classification Scheme 2023. Collection method: clinical testing. Allele origin: germline.

Labcorp Genetics (formerly Invitae), Labcorp
Classification: Uncertain significance for Glycogen storage disease, type IV; Glycogen storage disease IV, classic hepatic. Last evaluated: 2020-07-04. Review status: criteria provided, single submitter. Criteria: Invitae Variant Classification Sherloc (09022015). Collection method: clinical testing. Allele origin: germline.
Comment: This sequence change replaces isoleucine with valine at codon 240 of the GBE1 protein (p.Ile240Val). The isoleucine residue is highly conserved and there is a small physicochemical difference between isoleucine and valine. This variant is not present in population databases (ExAC no frequency). This variant has not been reported in the literature in individuals with GBE1-related conditions. Algorithms developed to predict the effect of missense changes on protein structure and function output the following: SIFT: Not Available; PolyPhen-2: Benign; Align-GVGD: Not Available. The isoleucine amino acid residue is found in multiple mammalian species, suggesting that this missense change does not adversely affect protein function. These predictions have not been confirmed by published functional studies and their clinical significance is uncertain. In summary, the available evidence is currently insufficient to determine the role of this variant in disease. Therefore, it has been classified as a Variant of Uncertain Significance.

NM_000158.4(GBE1):c.718A>G (p.Ile240Val)

Gene: GBE1 (1,4-alpha-glucan branching enzyme 1; minus strand). Cytogenetic location: 3p12.2.
Variant type: single nucleotide variant.
Coding change: c.718A>G on transcript NM_000158.4 (MANE Select); coding-DNA position 718, A replaced by G.
Protein change: p.Ile240Val; replaces isoleucine 240 with valine.
Molecular consequence: missense variant.
Genome position (GRCh38, 1-based): chr3:81,646,456, T>C on the plus strand (A>G on the coding strand, the complement: GBE1 is on the minus strand). VCF-style: chr3-81646456-T-C. GRCh37 (hg19) VCF-style: chr3-81695607-T-C.
Other names: c.718A>G (NM_000158.3); short protein forms I240V.
Identifiers: ClinVar variation 1054932 (VCV001054932.2), dbSNP rs868766244, ClinGen allele CA78292184.